The following is an entry in ClinVar:

NM_001458.5(FLNC):c.7693C>T (p.Pro2565Ser)

Genes: FLNC-AS1 (FLNC antisense RNA 1; minus strand), FLNC (filamin C; plus strand). Cytogenetic location: 7q32.1.
Variant type: single nucleotide variant.
Coding change: c.7693C>T on transcript NM_001458.5 (MANE Select); coding-DNA position 7693, C replaced by T.
Protein change: p.Pro2565Ser; replaces proline 2565 with serine.
Molecular consequence: missense variant.
Genome position (GRCh38, 1-based): chr7:128,857,249, C>T. VCF-style: chr7-128857249-C-T. GRCh37 (hg19) VCF-style: chr7-128497303-C-T.
Other names: c.7594C>T, p.Pro2532Ser (NM_001127487.2); short protein forms P2565S, P2532S.
Identifiers: ClinVar variation 539337 (VCV000539337.11), dbSNP rs1554401906, ClinGen allele CA369219703.

ClinVar aggregate classification (germline): Uncertain significance. Review status: criteria provided, multiple submitters, no conflicts (2 of 4 stars). 2 submissions from 2 submitters: Uncertain significance (2). Last evaluated 2025-08-03.

Conditions:
Distal myopathy with posterior leg and anterior hand involvement. Also called: WILLIAMS DISTAL MYOPATHY. Identifiers: Orphanet 63273, MedGen C3279722, MONDO:0013550, OMIM 614065.
Myofibrillar myopathy 5. Also called: Filaminopathy (type); FILAMINOPATHY, AUTOSOMAL DOMINANT. Identifiers: Orphanet 171445, MedGen C1836050, MONDO:0012289, OMIM 609524.
Hypertrophic cardiomyopathy 26. Also called: Cardiomyopathy, familial hypertrophic, 26. Identifiers: Orphanet 75249, MedGen C4310749, MONDO:0014883, OMIM 617047.
Cardiovascular phenotype. Identifiers: MedGen CN230736.

Submissions (2):

Ambry Genetics
Classification: Uncertain significance for Cardiovascular phenotype. Last evaluated: 2025-08-03. Review status: criteria provided, single submitter. Criteria: Ambry Variant Classification Scheme 2023. Collection method: clinical testing. Allele origin: germline.
Comment: The p.P2565S variant (also known as c.7693C>T), located in coding exon 46 of the FLNC gene, results from a C to T substitution at nucleotide position 7693. The proline at codon 2565 is replaced by serine, an amino acid with similar properties. This amino acid position is conserved. In addition, this alteration is predicted to be deleterious by in silico analysis. Based on the available evidence, the clinical significance of this variant remains unclear.

Labcorp Genetics (formerly Invitae), Labcorp
Classification: Uncertain significance for Distal myopathy with posterior leg and anterior hand involvement; Myofibrillar myopathy 5; Hypertrophic cardiomyopathy 26. Last evaluated: 2022-07-26. Review status: criteria provided, single submitter. Criteria: Invitae Variant Classification Sherloc (09022015). Collection method: clinical testing. Allele origin: germline.
Comment: This variant is not present in population databases (gnomAD no frequency). This variant has not been reported in the literature in individuals affected with FLNC-related conditions. ClinVar contains an entry for this variant (Variation ID: 539337). Algorithms developed to predict the effect of missense changes on protein structure and function are either unavailable or do not agree on the potential impact of this missense change (SIFT: "Deleterious"; PolyPhen-2: "Probably Damaging"; Align-GVGD: "Class C0"). In summary, the available evidence is currently insufficient to determine the role of this variant in disease. Therefore, it has been classified as a Variant of Uncertain Significance. This sequence change replaces proline, which is neutral and non-polar, with serine, which is neutral and polar, at codon 2565 of the FLNC protein (p.Pro2565Ser).